The following is an entry in ClinVar:

ClinVar aggregate classification (germline): Pathogenic (1 of 4 stars; one submission).

Conditions:
Neurofibromatosis, type 1 (NF1). Also called: NEUROFIBROMATOSIS, TYPE I, SOMATIC; VON RECKLINGHAUSEN DISEASE; Peripheral type neurofibromatosis; Neurofibromatosis, type I. Identifiers: Orphanet 636, MedGen C0027831, MONDO:0018975, OMIM 162200. Disease mechanism: loss of function.

Submission:

Labcorp Genetics (formerly Invitae), Labcorp
Classification: Pathogenic for Neurofibromatosis, type 1. Last evaluated: 2025-09-21. Review status: criteria provided, single submitter. Criteria: Invitae Variant Classification Sherloc (09022015). Collection method: clinical testing. Allele origin: germline.
Comment: This sequence change creates a premature translational stop signal (p.Ser575Tyrfs*11) in the NF1 gene. It is expected to result in an absent or disrupted protein product. Loss-of-function variants in NF1 are known to be pathogenic (PMID: 10712197, 23913538). This variant is not present in population databases (gnomAD no frequency). This premature translational stop signal has been observed in individual(s) with neurofibromatosis type 1 (PMID: 37186028). For these reasons, this variant has been classified as Pathogenic.

Literature cited by the submitters: PubMed 10712197; PubMed 23913538; PubMed 37186028.

NM_001042492.3(NF1):c.1724del (p.Ser575fs)

Gene: NF1 (neurofibromin 1; plus strand). Cytogenetic location: 17q11.2.
Variant type: Deletion.
Coding change: c.1724del on transcript NM_001042492.3 (MANE Select); coding-DNA position 1724, one base deleted (C; older notation c.1724delC).
Protein change: p.Ser575fs; shifts the reading frame from serine 575.
Molecular consequence: frameshift variant.
Genome position (GRCh38, 1-based): chr17:31,223,446, C deleted. VCF-style (leftmost placement, unchanged base first): chr17-31223445-TC-T. GRCh37 (hg19) VCF-style: chr17-29550463-TC-T.
Other names: c.1724del, p.Ser575fs (NM_000267.4); short protein forms S575fs.
Identifiers: ClinVar variation 4727546 (VCV004727546.1).
Genomic context (GRCh38, chr17:31,223,445, plus strand): 5'-GTTATATCTGCATTAGGTTATTGATGATGCTAGTAACAATGAACTTTATGTTACTGCAGC[TC>T]ACAAATGCTTTTTTACATCTGCAAGAAATTAACTAGTCATCAAATGCTTAGTAGCACAGA-3'